The following is an entry in ClinVar:

ClinVar aggregate classification (germline): Uncertain significance (1 of 4 stars; one submission).

Conditions:
Tuberous sclerosis 2 (TSC2). Identifiers: Orphanet 805, MedGen C1860707, MONDO:0013199, OMIM 613254.

Submission:

Labcorp Genetics (formerly Invitae), Labcorp
Classification: Uncertain significance for Tuberous sclerosis 2. Last evaluated: 2022-10-17. Review status: criteria provided, single submitter. Criteria: Invitae Variant Classification Sherloc (09022015). Collection method: clinical testing. Allele origin: germline.
Comment: In summary, the available evidence is currently insufficient to determine the role of this variant in disease. Therefore, it has been classified as a Variant of Uncertain Significance. Experimental studies and prediction algorithms are not available or were not evaluated, and the functional significance of this variant is currently unknown. This variant has not been reported in the literature in individuals affected with TSC2-related conditions. Information on the frequency of this variant in the gnomAD database is not available, as this variant may be reported differently in the database. This sequence change replaces alanine, which is neutral and non-polar, with threonine, which is neutral and polar, at codon 1171 of the TSC2 protein (p.Ala1171Thr).

NM_000548.5(TSC2):c.3510_3511delinsCA (p.Ala1171Thr)

Gene: TSC2 (TSC complex subunit 2; plus strand). Cytogenetic location: 16p13.3.
Variant type: Indel.
Coding change: c.3510_3511delinsCA on transcript NM_000548.5 (MANE Select); coding-DNA positions 3510 to 3511, AG replaced by CA.
Protein change: p.Ala1171Thr; replaces alanine 1171 with threonine.
Molecular consequence: missense variant.
Genome position (GRCh38, 1-based): chr16:2,080,277-2,080,278, AG replaced by CA. VCF-style: chr16-2080277-AG-CA. GRCh37 (hg19) VCF-style: chr16-2130278-AG-CA.
Other names: c.2037_2038delAGinsCA, p.Ala680Thr (NM_001406694.1, NM_001406690.1, NM_001406692.1 and 1 more transcripts); c.2034_2035delAGinsCA, p.Ala679Thr (NM_001406695.1, NM_001406696.1, NM_001406697.1 and 1 more transcripts); c.3378_3379delinsCA, p.Ala1127Thr (NM_001077183.3, NM_001370404.1); c.3510_3511delinsCA, p.Ala1171Thr (NM_001114382.3); c.3270_3271delinsCA, p.Ala1091Thr (NM_001318827.2); c.3234_3235delinsCA, p.Ala1079Thr (NM_001318829.2); c.2778_2779delinsCA, p.Ala927Thr (NM_001318831.2); c.3411_3412delinsCA, p.Ala1138Thr (NM_001318832.2); and 20 more; short protein forms A1108T, A1121T, A1122T, A1124T, A1158T, A679T, A680T, A927T.
Identifiers: ClinVar variation 2014877 (VCV002014877.4), dbSNP rs2544098986, ClinGen allele CA2580090995.